The following is an entry in ClinVar:

NM_001278116.2(L1CAM):c.2308G>A (p.Asp770Asn)

Gene: L1CAM (L1 cell adhesion molecule; minus strand). Cytogenetic location: Xq28.
Variant type: single nucleotide variant.
Coding change: c.2308G>A on transcript NM_001278116.2 (MANE Select); coding-DNA position 2308, G replaced by A.
Protein change: p.Asp770Asn; replaces aspartic acid 770 with asparagine.
Molecular consequence: missense variant.
Genome position (GRCh38, 1-based): chrX:153,866,772, C>T on the plus strand (G>A on the coding strand, the complement: L1CAM is on the minus strand). VCF-style: chrX-153866772-C-T. GRCh37 (hg19) VCF-style: chrX-153132227-C-T.
Other names: c.2308G>A, p.Asp770Asn (NM_000425.5, NM_024003.3); c.2293G>A, p.Asp765Asn (NM_001143963.2); short protein forms D770N, D765N.
Identifiers: ClinVar variation 283560 (VCV000283560.9), dbSNP rs148516831, ClinGen allele CA10604529.

ClinVar aggregate classification (germline): Conflicting classifications of pathogenicity. Review status: criteria provided, conflicting classifications (1 of 4 stars). 3 submissions from 3 submitters: Uncertain significance (2); Benign (1). Last evaluated 2025-11-06.

Conditions:
Spastic paraplegia. Identifiers: MedGen C0037772, HP:0001258.

Allele frequency attached by ClinVar (database versions not stated): TOPMed 0.00002; gnomAD exomes 0.00001; gnomAD 0.00003; ESP Exome Variant Server 0.00009.
gnomAD v4.1: 13 of 1,209,326 alleles (0.0011%); highest among the groups gnomAD compares: Admixed American, 0.0044%; no homozygotes.

Submissions (3):

Labcorp Genetics (formerly Invitae), Labcorp
Classification: Benign for Spastic paraplegia. Last evaluated: 2025-11-06. Review status: criteria provided, single submitter. Criteria: Invitae Variant Classification Sherloc (09022015). Collection method: clinical testing. Allele origin: germline.

Women's Health and Genetics/Laboratory Corporation of America, LabCorp
Classification: Uncertain significance. Last evaluated: 2022-06-08. Review status: criteria provided, single submitter. Criteria: LabCorp Variant Classification Summary - May 2015. Collection method: clinical testing. Allele origin: germline.
Comment: Variant summary: L1CAM c.2308G>A (p.Asp770Asn) results in a conservative amino acid change located in the Fibronectin type III domain (IPR003961) of the encoded protein sequence. Five of five in-silico tools predict a benign effect of the variant on protein function. The variant allele was found at a frequency of 1.1e-05 in 183248 control chromosomes, including 1 hemizygote (gnomAD). The available data on variant occurrences in the general population are insufficient to allow any conclusion about variant significance. c.2308G>A has been reported in the literature in at least one hemizygous individual affected with L1 Syndrome (Simonati_2006). These data do not allow any conclusion about variant significance. To our knowledge, no experimental evidence demonstrating an impact on protein function has been reported. One ClinVar submitter has assessed the variant since 2014: the variant was classified as of uncertain significance. Based on the evidence outlined above, the variant was classified as uncertain significance.

Eurofins Ntd Llc (ga)
Classification: Uncertain significance. Last evaluated: 2015-09-25. Review status: criteria provided, single submitter. Criteria: EGL Classification Definitions 2015. Collection method: clinical testing. Allele origin: germline. Observed: 1 variant allele, 1 heterozygote.

Literature cited by the submitters: PubMed 16816908 (cited by Women's Health and Genetics/Laboratory Corporation of America, LabCorp and Eurofins Ntd Llc (ga)).